The following is an entry in ClinVar:

NM_006208.3(ENPP1):c.298del (p.Ser100fs)

Gene: ENPP1 (ectonucleotide pyrophosphatase/phosphodiesterase 1; plus strand). Cytogenetic location: 6q23.2.
Variant type: Deletion.
Coding change: c.298del on transcript NM_006208.3 (MANE Select); coding-DNA position 298, one base deleted (A; older notation c.298delA).
Protein change: p.Ser100fs; shifts the reading frame from serine 100.
Molecular consequence: frameshift variant.
Genome position (GRCh38, 1-based): chr6:131,847,833, A deleted; the last of 2 consecutive A bases (chr6:131,847,832-131,847,833); deleting either gives the same sequence. VCF-style (leftmost placement, unchanged base first): chr6-131847831-CA-C. GRCh37 (hg19) VCF-style: chr6-132168971-CA-C.
Other names: short protein forms S100fs.
Identifiers: ClinVar variation 3773834 (VCV003773834.1).

ClinVar aggregate classification (germline): Pathogenic (1 of 4 stars; one submission).

Conditions:
ENPP1-related disorder. Also called: ENPP1-related condition; ENPP1-related disorders.

Submission:

Rady Children's Institute for Genomic Medicine, Rady Children's Hospital San Diego
Classification: Pathogenic for ENPP1-related disorders. Last evaluated: 2024-08-22. Review status: criteria provided, single submitter. Criteria: ACMG Guidelines, 2015. Collection method: clinical testing. Allele origin: germline. Affected: yes.
Comment: This frameshifting variant in exon 2 of 25 is predicted to result in loss of normal protein function through either protein truncation or nonsense-mediated mRNA decay. Loss-of-function variation in ENPP1 is an established mechanism of disease (PMID: 24216977, 20137773). This variant has not been previously reported or functionally characterized in the literature to our knowledge. The c.298del (p.Ser100AlafsTer35) variant is absent from the latest version of the gnomAD population database and thus is presumed to be rare. Based on the available evidence, c.298del (p.Ser100AlafsTer35) is classified as Pathogenic.